The following is an entry in ClinVar:

ClinVar aggregate classification (germline): Uncertain significance (1 of 4 stars; one submission).

Allele frequency attached by ClinVar (database versions not stated): gnomAD 0.00003.
gnomAD v4.1: 33 of 1,556,652 alleles (0.0021%); highest among the groups gnomAD compares: Admixed American, 0.011%; no homozygotes.

Submission:

Labcorp Genetics (formerly Invitae), Labcorp
Classification: Uncertain significance. Last evaluated: 2024-06-04. Review status: criteria provided, single submitter. Criteria: Invitae Variant Classification Sherloc (09022015). Collection method: clinical testing. Allele origin: germline.
Comment: This sequence change replaces arginine, which is basic and polar, with proline, which is neutral and non-polar, at codon 17 of the POLE2 protein (p.Arg17Pro). This variant is present in population databases (no rsID available, gnomAD 0.02%). This missense change has been observed in individual(s) with colorectal cancer (PMID: 32449991). ClinVar contains an entry for this variant (Variation ID: 1495704). An algorithm developed to predict the effect of missense changes on protein structure and function (PolyPhen-2) suggests that this variant is likely to be disruptive. In summary, the available evidence is currently insufficient to determine the role of this variant in disease. Therefore, it has been classified as a Variant of Uncertain Significance.

Literature cited by the submitters: PubMed 32449991.

NM_002692.4(POLE2):c.50G>C (p.Arg17Pro)

Gene: POLE2 (DNA polymerase epsilon 2, accessory subunit; minus strand). Cytogenetic location: 14q21.3.
Variant type: single nucleotide variant.
Coding change: c.50G>C on transcript NM_002692.4 (MANE Select); coding-DNA position 50, G replaced by C.
Protein change: p.Arg17Pro; replaces arginine 17 with proline.
Molecular consequence: missense variant. On other transcripts: 5 prime UTR variant (1).
Genome position (GRCh38, 1-based): chr14:49,688,154, C>G on the plus strand (G>C on the coding strand, the complement: POLE2 is on the minus strand). VCF-style: chr14-49688154-C-G. GRCh37 (hg19) VCF-style: chr14-50154872-C-G.
Other names: c.50G>C, p.Arg17Pro (NM_001197330.2, NM_001197331.3, NM_001348384.2); c.-186G>C (NM_001348385.2); short protein forms R17P.
Identifiers: ClinVar variation 1495704 (VCV001495704.8), dbSNP rs865807175, ClinGen allele CA260664257.